The following is an entry in ClinVar:

NM_005502.4(ABCA1):c.*1211G>A

Genes: ABCA1 (ATP binding cassette subfamily A member 1; minus strand), NIPSNAP3B (nipsnap homolog 3B; plus strand). Cytogenetic location: 9q31.1.
Variant type: single nucleotide variant.
Coding change: c.*1211G>A on transcript NM_005502.4 (MANE Select); 1211 bases downstream of the stop codon, G replaced by A.
Molecular consequence: 3 prime UTR variant.
Genome position (GRCh38, 1-based): chr9:104,783,104, C>T on the plus strand (G>A on the coding strand, the complement: ABCA1 is on the minus strand). VCF-style: chr9-104783104-C-T. GRCh37 (hg19) VCF-style: chr9-107545385-C-T.
Identifiers: ClinVar variation 364358 (VCV000364358.5), dbSNP rs547220092, ClinGen allele CA10626141.

ClinVar aggregate classification (germline): Conflicting classifications of pathogenicity. Review status: criteria provided, conflicting classifications (1 of 4 stars). 2 submissions from 1 submitter: Uncertain significance (1); Benign (1). Last evaluated 2018-01-13.

Conditions:
Hypoalphalipoproteinemia, primary, 1. Identifiers: Orphanet 425, MedGen C5231558, MONDO:0011393, OMIM 604091.
Tangier disease (TGD). Also called: HIGH DENSITY LIPOPROTEIN DEFICIENCY, TANGIER TYPE; HIGH DENSITY LIPOPROTEIN DEFICIENCY, TYPE 1; Cholesterol thesaurismosis. Identifiers: Orphanet 31150, MedGen C0039292, MONDO:0008783, OMIM 205400.

Allele frequency attached by ClinVar (database versions not stated): TOPMed 0.00013; gnomAD 0.00014 and 0.00017; 1000 Genomes Project 30x 0.00031; 1000 Genomes Project 0.00040.

Submissions (2):

Illumina Laboratory Services, Illumina
Classification: Uncertain significance for Tangier disease. Last evaluated: 2018-01-13. Review status: criteria provided, single submitter. Criteria: ICSL Variant Classification Criteria 13 December 2019. Collection method: clinical testing. Allele origin: germline.

Illumina Laboratory Services, Illumina
Classification: Benign for Hypoalphalipoproteinemia, primary, 1. Last evaluated: 2018-01-13. Review status: criteria provided, single submitter. Criteria: ICSL Variant Classification Criteria 13 December 2019. Collection method: clinical testing. Allele origin: germline.
Comment: This variant was observed in the ICSL laboratory as part of a predisposition screen in an ostensibly healthy population. It had not been previously curated by ICSL or reported in the Human Gene Mutation Database (HGMD: prior to June 1st, 2018), and was therefore a candidate for classification through an automated scoring system. Utilizing variant allele frequency, disease prevalence and penetrance estimates, and inheritance mode, an automated score was calculated to assess if this variant is too frequent to cause the disease. Based on the score and internal cut-off values, a variant classified as benign is not then subjected to further curation. The score for this variant resulted in a classification of benign for this disease.